The following is an entry in ClinVar:

NM_001845.6(COL4A1):c.948G>C (p.Gln316His)

Gene: COL4A1 (collagen type IV alpha 1 chain; minus strand). Cytogenetic location: 13q34.
Variant type: single nucleotide variant.
Coding change: c.948G>C on transcript NM_001845.6 (MANE Select); coding-DNA position 948, G replaced by C.
Protein change: p.Gln316His; replaces glutamine 316 with histidine.
Molecular consequence: missense variant.
Genome position (GRCh38, 1-based): chr13:110,205,362, C>G on the plus strand (G>C on the coding strand, the complement: COL4A1 is on the minus strand). VCF-style: chr13-110205362-C-G. GRCh37 (hg19) VCF-style: chr13-110857709-C-G.
Other names: c.948G>C, p.Gln316His (NM_001303110.2); short protein forms Q316H.
Identifiers: ClinVar variation 3775675 (VCV003775675.2).
Genomic context (GRCh38, chr13:110,205,362, plus strand): 5'-GGGTTGAATTGGAAAGTGAAGATAAAGGCTCACAATAGTGCCAGCGTTTACCTGCGGGCC[C>G]TGGCGGCCTATGAGTCCTGGGTACCCGGGTTCACCAGGAAAACCCTGAAACCGAAGAGAG-3'
Protein context (NP_001836.3, residues 306-326): EPGYPGLIGR[Gln316His]GPQGEKGEAG

ClinVar aggregate classification (germline): Uncertain significance. Review status: criteria provided, multiple submitters, no conflicts (2 of 4 stars). 2 submissions from 2 submitters: Uncertain significance (2). Last evaluated 2025-07-20.

Conditions:
Microangiopathy and leukoencephalopathy, pontine, autosomal dominant. Also called: DEMENTIA, HEREDITARY MULTI-INFARCT, SWEDISH TYPE; Pontine autosomal dominant microangiopathy with leukoencephalopathy. Identifiers: Orphanet 477749, MedGen C5231411, MONDO:0032814, OMIM 618564.

gnomAD v4.1: 2 of 1,613,986 alleles (0.00012%); highest among the groups gnomAD compares: East Asian, 0.0045%; no homozygotes.

Submissions (2):

Labcorp Genetics (formerly Invitae), Labcorp
Classification: Uncertain significance. Last evaluated: 2025-07-20. Review status: criteria provided, single submitter. Criteria: Invitae Variant Classification Sherloc (09022015). Collection method: clinical testing. Allele origin: germline.
Comment: This sequence change replaces glutamine, which is neutral and polar, with histidine, which is basic and polar, at codon 316 of the COL4A1 protein (p.Gln316His). This variant is not present in population databases (gnomAD no frequency). This variant has not been reported in the literature in individuals affected with COL4A1-related conditions. ClinVar contains an entry for this variant (Variation ID: 3775675). Invitae Evidence Modeling of protein sequence and biophysical properties (such as structural, functional, and spatial information, amino acid conservation, physicochemical variation, residue mobility, and thermodynamic stability) indicates that this missense variant is not expected to disrupt COL4A1 protein function with a negative predictive value of 95%. In summary, the available evidence is currently insufficient to determine the role of this variant in disease. Therefore, it has been classified as a Variant of Uncertain Significance.

3billion
Classification: Uncertain significance for Microangiopathy and leukoencephalopathy, pontine, autosomal dominant. Last evaluated: 2023-11-23. Review status: criteria provided, single submitter. Criteria: ACMG Guidelines, 2015. Collection method: clinical testing. Allele origin: germline. Affected: yes.
Comment: The variant is not observed in the gnomAD v2.1.1 dataset. Predicted Consequence/Location: Missense changes are a common disease-causing mechanism. In silico tool predictions suggest no damaging effect of the variant on gene or gene product [REVEL: 0.26 (<0.4); 3Cnet: 0.04 (<0.15, specificity 0.78 and negative predicitive value 0.92)]. Therefore, this variant is classified as VUS according to the recommendation of ACMG/AMP guideline.